The following is an entry in ClinVar:

NM_006361.6(HOXB13):c.602-6G>T

Gene: HOXB13 (homeobox B13; minus strand). Cytogenetic location: 17q21.32.
Variant type: single nucleotide variant.
Coding change: c.602-6G>T on transcript NM_006361.6 (MANE Select); 6 bases into the intron before coding-DNA position 602, G replaced by T.
Molecular consequence: intron variant.
Genome position (GRCh38, 1-based): chr17:48,727,049, C>A on the plus strand (G>T on the coding strand, the complement: HOXB13 is on the minus strand). VCF-style: chr17-48727049-C-A. GRCh37 (hg19) VCF-style: chr17-46804411-C-A.
Identifiers: ClinVar variation 1160769 (VCV001160769.10), dbSNP rs554306913, ClinGen allele CA8633941.

ClinVar aggregate classification (germline): Likely benign. Review status: criteria provided, multiple submitters, no conflicts (2 of 4 stars). 2 submissions from 2 submitters: Likely benign (2). Last evaluated 2025-09-15.

Conditions:
Prostate cancer, hereditary, 9 (HPC9). Identifiers: Orphanet 1331, MedGen C1970250, MONDO:0012597, OMIM 610997.

Allele frequency attached by ClinVar (database versions not stated): 1000 Genomes Project 30x 0.00016; 1000 Genomes Project 0.00020.
gnomAD v4.1: 23 of 1,603,964 alleles (0.0014%); highest among the groups gnomAD compares: South Asian, 0.0022%; no homozygotes.

Submissions (2):

Labcorp Genetics (formerly Invitae), Labcorp
Classification: Likely benign. Last evaluated: 2025-09-15. Review status: criteria provided, single submitter. Criteria: Invitae Variant Classification Sherloc (09022015). Collection method: clinical testing. Allele origin: germline.

Myriad Genetics, Inc.
Classification: Likely benign for Prostate cancer, hereditary, 9. Last evaluated: 2024-10-30. Review status: criteria provided, single submitter. Criteria: Myriad Autosomal Dominant, Autosomal Recessive and X-Linked Classification Criteria (2023). Collection method: clinical testing. Allele origin: unknown.
Comment: This variant is considered likely benign. This variant is intronic and is not expected to impact mRNA splicing.